The following is an entry in ClinVar:

NM_001371727.1(GABRB2):c.542-100A>G

Gene: GABRB2 (gamma-aminobutyric acid type A receptor subunit beta2; minus strand). Cytogenetic location: 5q34.
Variant type: single nucleotide variant.
Coding change: c.542-100A>G on transcript NM_001371727.1 (MANE Select); 100 bases into the intron before coding-DNA position 542, A replaced by G.
Molecular consequence: intron variant.
Genome position (GRCh38, 1-based): chr5:161,336,869, T>C on the plus strand (A>G on the coding strand, the complement: GABRB2 is on the minus strand). VCF-style: chr5-161336869-T-C. GRCh37 (hg19) VCF-style: chr5-160763876-T-C.
Other names: c.542-100A>G (NM_000813.3, NM_021911.3).
Identifiers: ClinVar variation 674492 (VCV000674492.2), dbSNP rs113714145, ClinGen allele CA131020634.

ClinVar aggregate classification (germline): Likely benign. Review status: criteria provided, multiple submitters, no conflicts (2 of 4 stars). 2 submissions from 2 submitters: Likely benign (2). Last evaluated 2018-06-14.

Allele frequency attached by ClinVar (database versions not stated): 1000 Genomes Project 30x 0.01374; 1000 Genomes Project 0.01378; gnomAD 0.01627 and 0.01716; TOPMed 0.01645; gnomAD exomes 0.02263.
gnomAD v4.1: 26,385 of 1,201,480 alleles (2.2%); highest among the groups gnomAD compares: Middle Eastern, 6.7%; 406 homozygotes.

Submissions (2):

GeneDx
Classification: Likely benign. Last evaluated: 2018-06-14. Review status: criteria provided, single submitter. Criteria: GeneDx Variant Classification (06012015). Collection method: clinical testing. Allele origin: germline. Affected: yes.
Comment: This variant is considered likely benign or benign based on one or more of the following criteria: it is a conservative change, it occurs at a poorly conserved position in the protein, it is predicted to be benign by multiple in silico algorithms, and/or has population frequency not consistent with disease.

Breakthrough Genomics
Classification: Likely benign. Review status: criteria provided, single submitter. Criteria: ACMG Guidelines, 2015. Collection method: not provided. Allele origin: germline. Inheritance: Autosomal dominant inheritance. Affected: yes.